The following is an entry in ClinVar:

NM_001267550.2(TTN):c.75443G>A (p.Gly25148Asp)

Genes: TTN (titin; minus strand), TTN-AS1 (TTN antisense RNA 1; plus strand). Cytogenetic location: 2q31.2.
Variant type: single nucleotide variant.
Coding change: c.75443G>A on transcript NM_001267550.2 (MANE Select); coding-DNA position 75443, G replaced by A.
Protein change: p.Gly25148Asp; replaces glycine 25148 with aspartic acid.
Molecular consequence: missense variant.
Genome position (GRCh38, 1-based): chr2:178,570,689, C>T on the plus strand (G>A on the coding strand, the complement: TTN is on the minus strand). VCF-style: chr2-178570689-C-T. GRCh37 (hg19) VCF-style: chr2-179435416-C-T.
Other names: c.70520G>A, p.Gly23507Asp (NM_001256850.1); c.48248G>A, p.Gly16083Asp (NM_003319.4); c.67739G>A, p.Gly22580Asp (NM_133378.4); c.48623G>A, p.Gly16208Asp (NM_133432.3); c.48824G>A, p.Gly16275Asp (NM_133437.4); short protein forms G16083D, G16208D, G16275D, G22580D, G23507D, G25148D.
Identifiers: ClinVar variation 3901542 (VCV003901542.1).

ClinVar aggregate classification (germline): Uncertain significance (1 of 4 stars; one submission).

gnomAD v4.1: 4 of 1,613,424 alleles (0.00025%); highest among the groups gnomAD compares: Admixed American, 0.005%; no homozygotes.

Submission:

GeneDx
Classification: Uncertain significance. Last evaluated: 2024-12-03. Review status: criteria provided, single submitter. Criteria: GeneDx Variant Classification Process June 2021. Collection method: clinical testing. Allele origin: germline. Affected: yes.
Comment: Not observed at significant frequency in large population cohorts (gnomAD); Missense variant in a gene in which most reported pathogenic variants are truncating/loss of function; Has not been previously published as pathogenic or benign to our knowledge; This variant is associated with the following publications: (PMID: 23975875)